The following is an entry in ClinVar:

ClinVar aggregate classification (germline): Uncertain significance (1 of 4 stars; one submission).

Conditions:
Inborn genetic diseases. Identifiers: MedGen C0950123, MeSH D030342.

Submission:

Ambry Genetics
Classification: Uncertain significance for Inborn genetic diseases. Last evaluated: 2017-08-03. Review status: criteria provided, single submitter. Criteria: Ambry Variant Classification Scheme 2023. Collection method: clinical testing. Allele origin: germline.
Comment: The p.V338A variant (also known as c.1013T>C), located in coding exon 8 of the DNM1 gene, results from a T to C substitution at nucleotide position 1013. The valine at codon 338 is replaced by alanine, an amino acid with similar properties. This amino acid position is highly conserved in available vertebrate species. In addition, this alteration is predicted to be tolerated by in silico analysis. Since supporting evidence is limited at this time, the clinical significance of this alteration remains unclear.

NM_004408.4(DNM1):c.1013T>C (p.Val338Ala)

Gene: DNM1 (dynamin 1; plus strand). Cytogenetic location: 9q34.11.
Variant type: single nucleotide variant.
Coding change: c.1013T>C on transcript NM_004408.4 (MANE Select); coding-DNA position 1013, T replaced by C.
Protein change: p.Val338Ala; replaces valine 338 with alanine.
Molecular consequence: missense variant.
Genome position (GRCh38, 1-based): chr9:128,222,481, T>C. VCF-style: chr9-128222481-T-C. GRCh37 (hg19) VCF-style: chr9-130984760-T-C.
Other names: c.1013T>C, p.Val338Ala (NM_001005336.3, NM_001288737.2, NM_001288738.2 and 2 more transcripts); short protein forms V338A.
Identifiers: ClinVar variation 1737200 (VCV001737200.2), dbSNP rs2538997307, ClinGen allele CA375015887.